The following is an entry in ClinVar:

ClinVar aggregate classification (germline): Pathogenic (1 of 4 stars; one submission).

Conditions:
Duchenne muscular dystrophy (DMD). Also called: Duchenne Muscular Dystrophy (DMD); MUSCULAR DYSTROPHY, PSEUDOHYPERTROPHIC PROGRESSIVE, DUCHENNE TYPE. Identifiers: Orphanet 98896, MedGen C0013264, MONDO:0010679, OMIM 310200.

Submission:

Labcorp Genetics (formerly Invitae), Labcorp
Classification: Pathogenic for Duchenne muscular dystrophy. Last evaluated: 2024-12-12. Review status: criteria provided, single submitter. Criteria: Invitae Variant Classification Sherloc (09022015). Collection method: clinical testing. Allele origin: germline.
Comment: This sequence change creates a premature translational stop signal (p.Gln3493Argfs*3) in the DMD gene. It is expected to result in an absent or disrupted protein product. Loss-of-function variants in DMD are known to be pathogenic (PMID: 16770791, 25007885). This variant is not present in population databases (gnomAD no frequency). This premature translational stop signal has been observed in individual(s) with DMD-related conditions (PMID: 31443951). For these reasons, this variant has been classified as Pathogenic.

Literature cited by the submitters: PubMed 16770791; PubMed 25007885; PubMed 31443951.

NM_004006.3(DMD):c.10478del (p.Gln3493fs)

Gene: DMD (dystrophin; minus strand). Cytogenetic location: Xp21.2.
Variant type: Deletion.
Coding change: c.10478del on transcript NM_004006.3 (MANE Select); coding-DNA position 10478, one base deleted (A; older notation c.10478delA).
Protein change: p.Gln3493fs; shifts the reading frame from glutamine 3493.
Molecular consequence: frameshift variant. On other transcripts: intron variant (2).
Genome position (GRCh38, 1-based): chrX:31,169,518, T deleted on the plus strand (A on the coding strand, the reverse complement: DMD is on the minus strand). VCF-style (leftmost placement, unchanged base first): chrX-31169517-CT-C. GRCh37 (hg19) VCF-style: chrX-31187634-CT-C.
Other names: c.10454del, p.Gln3485fs (NM_000109.4); c.10466del, p.Gln3489fs (NM_004009.3); c.10109del, p.Gln3370fs (NM_004010.3); c.6455del, p.Gln2152fs (NM_004011.4); c.6446del, p.Gln2149fs (NM_004012.4); c.3098del, p.Gln1033fs (NM_004013.3, NM_004021.3); c.2291del, p.Gln764fs (NM_004014.3); c.1274del, p.Gln425fs (NM_004015.3, NM_004016.3); and 3 more; short protein forms Q3485fs, Q425fs, Q1033fs, Q3489fs, Q412fs, Q1020fs, Q2152fs, Q764fs.
Identifiers: ClinVar variation 3718685 (VCV003718685.2).